The following is an entry in ClinVar:

NM_021020.5(LZTS1):c.262G>A (p.Gly88Arg)

Gene: LZTS1 (leucine zipper tumor suppressor 1; minus strand). Cytogenetic location: 8p21.3.
Variant type: single nucleotide variant.
Coding change: c.262G>A on transcript NM_021020.5 (MANE Select); coding-DNA position 262, G replaced by A.
Protein change: p.Gly88Arg; replaces glycine 88 with arginine.
Molecular consequence: missense variant.
Genome position (GRCh38, 1-based): chr8:20,254,920, C>T on the plus strand (G>A on the coding strand, the complement: LZTS1 is on the minus strand). VCF-style: chr8-20254920-C-T. GRCh37 (hg19) VCF-style: chr8-20112431-C-T.
Other names: c.262G>A, p.Gly88Arg (NM_001362884.2); short protein forms G88R.
Identifiers: ClinVar variation 4761591 (VCV004761591.1).

ClinVar aggregate classification (germline): Uncertain significance (1 of 4 stars; one submission).

gnomAD v4.1: 9 of 1,614,106 alleles (0.00056%); highest among the groups gnomAD compares: East Asian, 0.0022%; no homozygotes.

Submission:

Labcorp Genetics (formerly Invitae), Labcorp
Classification: Uncertain significance. Last evaluated: 2025-02-20. Review status: criteria provided, single submitter. Criteria: Invitae Variant Classification Sherloc (09022015). Collection method: clinical testing. Allele origin: germline.
Comment: This sequence change replaces glycine, which is neutral and non-polar, with arginine, which is basic and polar, at codon 88 of the LZTS1 protein (p.Gly88Arg). This variant is present in population databases (rs775466708, gnomAD 0.02%). This variant has not been reported in the literature in individuals affected with LZTS1-related conditions. Invitae Evidence Modeling of protein sequence and biophysical properties (such as structural, functional, and spatial information, amino acid conservation, physicochemical variation, residue mobility, and thermodynamic stability) indicates that this missense variant is not expected to disrupt LZTS1 protein function with a negative predictive value of 80%. In summary, the available evidence is currently insufficient to determine the role of this variant in disease. Therefore, it has been classified as a Variant of Uncertain Significance.